The following is an entry in ClinVar:

NM_014698.3(TMEM63A):c.1904G>T (p.Gly635Val)

Gene: TMEM63A (transmembrane protein 63A; minus strand). Cytogenetic location: 1q42.12.
Variant type: single nucleotide variant.
Coding change: c.1904G>T on transcript NM_014698.3 (MANE Select); coding-DNA position 1904, G replaced by T.
Protein change: p.Gly635Val; replaces glycine 635 with valine.
Molecular consequence: missense variant.
Genome position (GRCh38, 1-based): chr1:225,850,079, C>A on the plus strand (G>T on the coding strand, the complement: TMEM63A is on the minus strand). VCF-style: chr1-225850079-C-A. GRCh37 (hg19) VCF-style: chr1-226037780-C-A.
Other names: short protein forms G635V.
Identifiers: ClinVar variation 4887108 (VCV004887108.1).
Genomic context (GRCh38, chr1:225,850,079, plus strand): 5'-AGGTAGACGAAGTAGAGGTTGTGCCGGTCCACCATGTGCTTGAGCAGGATGTAGATGAGG[C>A]CTGCAGGGGATGGGGCTGTGAGCTGGAGACCTCGCAGGGCCACACAGACACCTCTGTCCT-3'
Protein context (NP_055513.2, residues 625-645): SITCPIIAPF[Gly635Val]LIYILLKHMV

ClinVar aggregate classification (germline): Uncertain significance (1 of 4 stars; one submission).

gnomAD v4.1: 1 of 1,613,864 alleles (0.000062%); highest among the groups gnomAD compares: Non-Finnish European, 0.000085%; no homozygotes.

Submission:

Women's Health and Genetics/Laboratory Corporation of America, LabCorp
Classification: Uncertain significance. Last evaluated: 2026-06-19. Review status: criteria provided, single submitter. Criteria: LabCorp Variant Classification Summary - May 2015. Collection method: clinical testing. Allele origin: germline.
Comment: Variant summary: TMEM63A c.1904G>T (p.Gly635Val) results in a non-conservative amino acid change in the encoded protein sequence. Algorithms developed to predict the effect of missense changes on protein structure and function are either unavailable or do not agree on the potential impact of this missense change. Several computational tools predict a significant impact on normal splicing: One predicts the variant abolishes a canonical 3' acceptor site, two predict the variant weakens a canonical 3' acceptor site, and one predicts the variant has no significant impact on splicing. However, these predictions have yet to be confirmed by functional studies. The variant was absent in 251144 control chromosomes. The available data on variant occurrences in the general population are insufficient to allow any conclusion about variant significance. To our knowledge, no occurrence of c.1904G>T in individuals affected with TMEM63A-related conditions and no experimental evidence demonstrating its impact on protein function have been reported. No submitters have cited clinical-significance assessments for this variant to ClinVar. Based on the evidence outlined above, the variant was classified as uncertain significance.